The following is an entry in ClinVar:

NM_031372.4(HNRNPDL):c.194A>G (p.Gln65Arg)

Gene: HNRNPDL (heterogeneous nuclear ribonucleoprotein D like; minus strand). Cytogenetic location: 4q21.22.
Variant type: single nucleotide variant.
Coding change: c.194A>G on transcript NM_031372.4 (MANE Select); coding-DNA position 194, A replaced by G.
Protein change: p.Gln65Arg; replaces glutamine 65 with arginine.
Molecular consequence: missense variant. On other transcripts: non-coding transcript variant (1).
Genome position (GRCh38, 1-based): chr4:82,429,497, T>C on the plus strand (A>G on the coding strand, the complement: HNRNPDL is on the minus strand). VCF-style: chr4-82429497-T-C. GRCh37 (hg19) VCF-style: chr4-83350650-T-C.
Other names: c.194A>G, p.Gln65Arg (NM_001207000.1); short protein forms Q65R.
Identifiers: ClinVar variation 4738584 (VCV004738584.1).

ClinVar aggregate classification (germline): Uncertain significance (1 of 4 stars; one submission).

Conditions:
Autosomal dominant limb-girdle muscular dystrophy type 1G (LGMDD3). Also called: Limb-girdle muscular dystrophy, type 1G; MUSCULAR DYSTROPHY, LIMB-GIRDLE, AUTOSOMAL DOMINANT 3. Identifiers: Orphanet 55596, MedGen C1836765, MONDO:0012193, OMIM 609115.

Submission:

Labcorp Genetics (formerly Invitae), Labcorp
Classification: Uncertain significance for Autosomal dominant limb-girdle muscular dystrophy type 1G. Last evaluated: 2025-10-22. Review status: criteria provided, single submitter. Criteria: Invitae Variant Classification Sherloc (09022015). Collection method: clinical testing. Allele origin: germline.
Comment: This sequence change replaces glutamine, which is neutral and polar, with arginine, which is basic and polar, at codon 65 of the HNRNPDL protein (p.Gln65Arg). This variant is not present in population databases (gnomAD no frequency). This variant has not been reported in the literature in individuals affected with HNRNPDL-related conditions. An algorithm developed to predict the effect of missense changes on protein structure and function (PolyPhen-2) suggests that this variant is likely to be tolerated. In summary, the available evidence is currently insufficient to determine the role of this variant in disease. Therefore, it has been classified as a Variant of Uncertain Significance.